The following is an entry in ClinVar:

ClinVar aggregate classification (germline): Likely pathogenic (1 of 4 stars; one submission).

Conditions:
Nabais Sa-de Vries syndrome.

Submission:

Rady Children's Institute for Genomic Medicine, Rady Children's Hospital San Diego
Classification: Likely pathogenic for Nabais Sa-de Vries syndrome. Review status: criteria provided, single submitter. Criteria: ACMG Guidelines, 2015. Collection method: clinical testing. Allele origin: germline. Affected: yes.
Comment: This nonsense variant found in exon 7 of 12 is predicted to result in loss of normal protein function through either protein truncation or nonsense-mediated mRNA decay (NMD). This variant has not been previously reported or functionally characterized in the literature to our knowledge. The SPOP gene is highly constrained (Z-score= 4.14 and pLI = 1), which suggests it is intolerant to variation. The c.468delinsTAA (p.Leu157AsnfsTer6) variant is absent from the gnomAD population database and thus is presumed to be rare. Analysis of the parental samples was negative for the variant, indicating this variant likely occurred as a de novo event. Based on the available evidence, the c.468delinsTAA (p.Leu157AsnfsTer6) variant is classified as Likely Pathogenic.

NM_001007228.2(SPOP):c.468_469insAA (p.Leu157fs)

Gene: SPOP (speckle type BTB/POZ protein; minus strand). Cytogenetic location: 17q21.33.
Variant type: Insertion.
Coding change: c.468_469insAA on transcript NM_001007228.2 (MANE Select); coding-DNA positions 468 to 469, AA inserted.
Protein change: p.Leu157fs; shifts the reading frame from leucine 157.
Molecular consequence: frameshift variant.
Genome position: GRCh38 VCF-style: chr17-49618992-G-GTT. GRCh37 (hg19) VCF-style: chr17-47696354-G-GTT.
Other names: c.468_469insAA, p.Leu157fs (NM_001007226.1, NM_001007227.1, NM_001007229.1 and 5 more transcripts); short protein forms L157fs.
Identifiers: ClinVar variation 2584445 (VCV002584445.1), dbSNP rs2543841231, ClinGen allele CA2582342196.